The following is an entry in ClinVar:

ClinVar aggregate classification (germline): Uncertain significance (1 of 4 stars; one submission).

gnomAD v4.1: 7 of 1,612,274 alleles (0.00043%); highest among the groups gnomAD compares: South Asian, 0.0077%; no homozygotes.

Submission:

Labcorp Genetics (formerly Invitae), Labcorp
Classification: Uncertain significance. Last evaluated: 2025-12-18. Review status: criteria provided, single submitter. Criteria: Invitae Variant Classification Sherloc (09022015). Collection method: clinical testing. Allele origin: germline.
Comment: This sequence change replaces serine, which is neutral and polar, with asparagine, which is neutral and polar, at codon 23 of the TTLL5 protein (p.Ser23Asn). The frequency data for this variant in the population databases is considered unreliable, as metrics indicate poor data quality at this position in the gnomAD database. This variant has not been reported in the literature in individuals affected with TTLL5-related conditions. Invitae Evidence Modeling of protein sequence and biophysical properties (such as structural, functional, and spatial information, amino acid conservation, physicochemical variation, residue mobility, and thermodynamic stability) indicates that this missense variant is not expected to disrupt TTLL5 protein function with a negative predictive value of 80%. In summary, the available evidence is currently insufficient to determine the role of this variant in disease. Therefore, it has been classified as a Variant of Uncertain Significance.

NM_015072.5(TTLL5):c.68G>A (p.Ser23Asn)

Gene: TTLL5 (tubulin tyrosine ligase like 5; plus strand). Cytogenetic location: 14q24.3.
Variant type: single nucleotide variant.
Coding change: c.68G>A on transcript NM_015072.5 (MANE Select); coding-DNA position 68, G replaced by A.
Protein change: p.Ser23Asn; replaces serine 23 with asparagine.
Molecular consequence: missense variant.
Genome position (GRCh38, 1-based): chr14:75,663,217, G>A. VCF-style: chr14-75663217-G-A. GRCh37 (hg19) VCF-style: chr14-76129560-G-A.
Other names: short protein forms S23N.
Identifiers: ClinVar variation 4698935 (VCV004698935.1).